The following is an entry in ClinVar:

ClinVar aggregate classification (germline): Pathogenic. Review status: criteria provided, multiple submitters, no conflicts (2 of 4 stars). 3 submissions from 3 submitters: Pathogenic (3). Last evaluated 2025-07-02.

Conditions:
PHEX-related disorder. Also called: PHEX-related condition.

Submissions (3):

GeneDx
Classification: Pathogenic. Last evaluated: 2025-07-02. Review status: criteria provided, single submitter. Criteria: GeneDx Variant Classification Process June 2021. Collection method: clinical testing. Allele origin: germline. Affected: yes.
Comment: Nonsense variant predicted to result in protein truncation or nonsense mediated decay in a gene for which loss of function is a known mechanism of disease; Not observed at significant frequency in large population cohorts (gnomAD); This variant is associated with the following publications: (PMID: 34633109, 33639975)

Blueprint Genetics
Classification: Pathogenic for PHEX-related disorders. Last evaluated: 2023-10-10. Review status: criteria provided, single submitter. Criteria: ACMG Guidelines, 2015. Collection method: clinical testing. Allele origin: germline. Affected: yes. Observed: 1 variant allele.

Labcorp Genetics (formerly Invitae), Labcorp
Classification: Pathogenic. Last evaluated: 2023-03-14. Review status: criteria provided, single submitter. Criteria: Invitae Variant Classification Sherloc (09022015). Collection method: clinical testing. Allele origin: germline.
Comment: For these reasons, this variant has been classified as Pathogenic. ClinVar contains an entry for this variant (Variation ID: 265702). This premature translational stop signal has been observed in individual(s) with hypophosphatemia (Invitae). This variant is not present in population databases (gnomAD no frequency). This sequence change creates a premature translational stop signal (p.Gln402*) in the PHEX gene. It is expected to result in an absent or disrupted protein product. Loss-of-function variants in PHEX are known to be pathogenic (PMID: 9097956, 9106524, 19219621).

Literature cited by the submitters: PubMed 9097956 (cited by Labcorp Genetics (formerly Invitae), Labcorp); PubMed 9106524 (cited by Labcorp Genetics (formerly Invitae), Labcorp); PubMed 19219621 (cited by Labcorp Genetics (formerly Invitae), Labcorp).

NM_000444.6(PHEX):c.1204C>T (p.Gln402Ter)

Gene: PHEX (phosphate regulating endopeptidase X-linked; plus strand). Cytogenetic location: Xp22.11.
Variant type: single nucleotide variant.
Coding change: c.1204C>T on transcript NM_000444.6 (MANE Select); coding-DNA position 1204, C replaced by T.
Protein change: p.Gln402Ter; replaces glutamine 402 with a stop codon.
Molecular consequence: nonsense.
Genome position (GRCh38, 1-based): chrX:22,114,488, C>T. VCF-style: chrX-22114488-C-T. GRCh37 (hg19) VCF-style: chrX-22132606-C-T.
Other names: c.1204C>T, p.Gln402Ter (NM_001282754.2); short protein forms Q402*.
Identifiers: ClinVar variation 265702 (VCV000265702.14), dbSNP rs886039745, ClinGen allele CA10588760.
Genomic context (GRCh38, chrX:22,114,488, plus strand): 5'-AGTTTAATCTGGATCAATTATCTCCCACAGGTAATCCAGGGGACCACAACTTTGCTGCCT[C>T]AATGGGACAAATGTGTAAACTTTATTGAAAGTGCCCTCCCTTATGTTGTTGGAAAGATGT-3'